The following is an entry in ClinVar:

NM_198578.4(LRRK2):c.4811G>A (p.Cys1604Tyr)

Gene: LRRK2 (leucine rich repeat kinase 2; plus strand). Cytogenetic location: 12q12.
Variant type: single nucleotide variant.
Coding change: c.4811G>A on transcript NM_198578.4 (MANE Select); coding-DNA position 4811, G replaced by A.
Protein change: p.Cys1604Tyr; replaces cysteine 1604 with tyrosine.
Molecular consequence: missense variant.
Genome position (GRCh38, 1-based): chr12:40,315,284, G>A. VCF-style: chr12-40315284-G-A. GRCh37 (hg19) VCF-style: chr12-40709086-G-A.
Other names: short protein forms C1604Y.
Identifiers: ClinVar variation 2489506 (VCV002489506.2), dbSNP rs1268370491, ClinGen allele CA384419336.
Genomic context (GRCh38, chr12:40,315,284, plus strand): 5'-ATTTTCAAGACCCAGCACTGCAGTTAAGTGACTTGTACTTTGTGGAACCCAAGTGGCTTT[G>A]TAAAATCATGGCACAGGTTGGTGTCTTTTATTTTTGTGGCACGGGGGTTATGGTCAAAGC-3'
Protein context (NP_940980.4, residues 1594-1614): DLYFVEPKWL[Cys1604Tyr]KIMAQILTVK

ClinVar aggregate classification (germline): Uncertain significance (1 of 4 stars; one submission).

Conditions:
Inborn genetic diseases. Identifiers: MedGen C0950123, MeSH D030342.

Allele frequency attached by ClinVar (database versions not stated): gnomAD exomes below 0.00001.
gnomAD v4.1: 1 of 1,612,444 alleles (0.000062%); highest among the groups gnomAD compares: Admixed American, 0.0017%; no homozygotes.

Submission:

Ambry Genetics
Classification: Uncertain significance for Inborn genetic diseases. Last evaluated: 2022-12-28. Review status: criteria provided, single submitter. Criteria: Ambry Variant Classification Scheme 2023. Collection method: clinical testing. Allele origin: germline.
Comment: The p.C1604Y variant (also known as c.4811G>A), located in coding exon 33 of the LRRK2 gene, results from a G to A substitution at nucleotide position 4811. The cysteine at codon 1604 is replaced by tyrosine, an amino acid with highly dissimilar properties. This amino acid position is conserved. In addition, this alteration is predicted to be deleterious by in silico analysis. Since supporting evidence is limited at this time, the clinical significance of this alteration remains unclear.